The following is an entry in ClinVar:

NM_000751.3(CHRND):c.1071G>C (p.Glu357Asp)

Gene: CHRND (cholinergic receptor nicotinic delta subunit; plus strand). Cytogenetic location: 2q37.1.
Variant type: single nucleotide variant.
Coding change: c.1071G>C on transcript NM_000751.3 (MANE Select); coding-DNA position 1071, G replaced by C.
Protein change: p.Glu357Asp; replaces glutamic acid 357 with aspartic acid.
Molecular consequence: missense variant.
Genome position (GRCh38, 1-based): chr2:232,533,954, G>C. VCF-style: chr2-232533954-G-C. GRCh37 (hg19) VCF-style: chr2-233398664-G-C.
Other names: c.1026G>C, p.Glu342Asp (NM_001256657.2); c.489G>C, p.Glu163Asp (NM_001311195.2); c.768G>C, p.Glu256Asp (NM_001311196.2); short protein forms E256D, E342D, E357D, E163D.
Identifiers: ClinVar variation 853617 (VCV000853617.7), dbSNP rs1235160365, ClinGen allele CA351004869.
Genomic context (GRCh38, chr2:232,533,954, plus strand): 5'-ACAACGCCTTTCTTGTGGCCCCTTGACATGGCCCCAGCTCTTCCTGGAGACCCTGCCGGA[G>C]CTCCTGCACATGTCCCGCCCAGCAGAGGATGGACCCAGCCCTGGGGCCCTGGTGCGGAGG-3'
Protein context (NP_000742.1, residues 347-367): VKKLFLETLP[Glu357Asp]LLHMSRPAED

ClinVar aggregate classification (germline): Uncertain significance (1 of 4 stars; one submission).

Conditions:
Lethal multiple pterygium syndrome (LMPS). Identifiers: Orphanet 33108, MedGen C1854678, MONDO:0009668, OMIM 253290.

Allele frequency attached by ClinVar (database versions not stated): gnomAD exomes below 0.00001.

Submission:

Labcorp Genetics (formerly Invitae), Labcorp
Classification: Uncertain significance for Lethal multiple pterygium syndrome. Last evaluated: 2025-10-27. Review status: criteria provided, single submitter. Criteria: Invitae Variant Classification Sherloc (09022015). Collection method: clinical testing. Allele origin: germline.
Comment: This sequence change replaces glutamic acid, which is acidic and polar, with aspartic acid, which is acidic and polar, at codon 357 of the CHRND protein (p.Glu357Asp). This variant is present in population databases (no rsID available, gnomAD 0.006%). This variant has not been reported in the literature in individuals affected with CHRND-related conditions. ClinVar contains an entry for this variant (Variation ID: 853617). Invitae Evidence Modeling of protein sequence and biophysical properties (such as structural, functional, and spatial information, amino acid conservation, physicochemical variation, residue mobility, and thermodynamic stability) indicates that this missense variant is not expected to disrupt CHRND protein function with a negative predictive value of 95%. In summary, the available evidence is currently insufficient to determine the role of this variant in disease. Therefore, it has been classified as a Variant of Uncertain Significance.